The following is an entry in ClinVar:

NM_025233.7(COASY):c.201C>A (p.Phe67Leu)

Gene: COASY (Coenzyme A synthase; plus strand). Cytogenetic location: 17q21.2.
Variant type: single nucleotide variant.
Coding change: c.201C>A on transcript NM_025233.7 (MANE Select); coding-DNA position 201, C replaced by A.
Protein change: p.Phe67Leu; replaces phenylalanine 67 with leucine.
Molecular consequence: missense variant.
Genome position (GRCh38, 1-based): chr17:42,562,823, C>A. VCF-style: chr17-42562823-C-A. GRCh37 (hg19) VCF-style: chr17-40714841-C-A.
Other names: c.201C>A, p.Phe67Leu (NM_001042529.3); c.288C>A, p.Phe96Leu (NM_001042532.4); c.201C>A (NM_025233.6); short protein forms F96L, F67L.
Identifiers: ClinVar variation 2322794 (VCV002322794.3), dbSNP rs1386059282, ClinGen allele CA399617019.

ClinVar aggregate classification (germline): Uncertain significance. Review status: criteria provided, multiple submitters, no conflicts (2 of 4 stars). 2 submissions from 2 submitters: Uncertain significance (2). Last evaluated 2024-05-16.

gnomAD v4.1: 7 of 1,613,160 alleles (0.00043%); highest among the groups gnomAD compares: Non-Finnish European, 0.00059%; no homozygotes.

Submissions (2):

GeneDx
Classification: Uncertain significance. Last evaluated: 2024-05-16. Review status: criteria provided, single submitter. Criteria: GeneDx Variant Classification Process June 2021. Collection method: clinical testing. Allele origin: germline. Affected: yes.
Comment: Not observed at significant frequency in large population cohorts (gnomAD); In silico analysis indicates that this missense variant does not alter protein structure/function; Has not been previously published as pathogenic or benign to our knowledge

Ambry Genetics
Classification: Uncertain significance. Last evaluated: 2022-10-26. Review status: criteria provided, single submitter. Criteria: Ambry Variant Classification Scheme 2023. Collection method: clinical testing. Allele origin: germline.